The following is an entry in ClinVar:

ClinVar aggregate classification (germline): Uncertain significance (1 of 4 stars; one submission).

gnomAD v4.1: 1 of 1,612,584 alleles (0.000062%); highest among the groups gnomAD compares: African/African-American, 0.0013%; no homozygotes.

Submission:

GeneDx
Classification: Uncertain significance. Last evaluated: 2024-12-09. Review status: criteria provided, single submitter. Criteria: GeneDx Variant Classification Process June 2021. Collection method: clinical testing. Allele origin: germline. Affected: yes.
Comment: Not observed at significant frequency in large population cohorts (gnomAD); In silico analysis supports that this missense variant has a deleterious effect on protein structure/function; Has not been previously published as pathogenic or benign to our knowledge; This variant is associated with the following publications: (PMID: 22696272)

NM_000093.5(COL5A1):c.5144A>G (p.Tyr1715Cys)

Genes: COL5A1 (collagen type V alpha 1 chain; plus strand), LOC101448202 (uncharacterized LOC101448202; minus strand). Cytogenetic location: 9q34.3.
Variant type: single nucleotide variant.
Coding change: c.5144A>G on transcript NM_000093.5 (MANE Select); coding-DNA position 5144, A replaced by G.
Protein change: p.Tyr1715Cys; replaces tyrosine 1715 with cysteine.
Molecular consequence: missense variant.
Genome position (GRCh38, 1-based): chr9:134,834,978, A>G. VCF-style: chr9-134834978-A-G. GRCh37 (hg19) VCF-style: chr9-137726824-A-G.
Other names: c.5144A>G, p.Tyr1715Cys (NM_001278074.1); short protein forms Y1715C.
Identifiers: ClinVar variation 3901456 (VCV003901456.1).